The following is an entry in ClinVar:

ClinVar aggregate classification (germline): Uncertain significance (1 of 4 stars; one submission).

Conditions:
Hereditary cancer-predisposing syndrome. Also called: Hereditary Cancer Syndrome; Neoplastic Syndromes, Hereditary; Tumor predisposition; Hereditary neoplastic syndrome. Identifiers: Orphanet 140162, MedGen C0027672, MeSH D009386, MONDO:0015356.

Submission:

Ambry Genetics
Classification: Uncertain significance for Hereditary cancer-predisposing syndrome. Last evaluated: 2018-12-14. Review status: criteria provided, single submitter. Criteria: Ambry Variant Classification Scheme 2023. Collection method: clinical testing. Allele origin: germline.
Comment: The c.5013_5015delACA variant (also known as p.K1671_H1672delinsN) is located in coding exon 15 of the BRCA1 gene. This variant results from an in-frame ACA deletion at nucleotide positions 5013 to 5015. This causes the deletion of two residues at codons 1671 and 1672 (KH) and insertion of one residue (N) at codon 1671. This amino acid region is not well conserved in available vertebrate species. Since supporting evidence is limited at this time, the clinical significance of this alteration remains unclear.

NM_007294.4(BRCA1):c.5013_5015del (p.Lys1671_His1672delinsAsn)

Gene: BRCA1 (BRCA1 DNA repair associated; minus strand). Cytogenetic location: 17q21.31.
Variant type: Deletion.
Coding change: c.5013_5015del on transcript NM_007294.4 (MANE Select); coding-DNA positions 5013 to 5015, 3 bases deleted (ACA; older notation c.5013_5015delACA).
Protein change: p.Lys1671_His1672delinsAsn.
Molecular consequence: inframe indel. On other transcripts: non-coding transcript variant (1).
Genome position (GRCh38, 1-based): chr17:43,067,667-43,067,669, TGT deleted on the plus strand (ACA on the coding strand, the reverse complement: BRCA1 is on the minus strand); deleting any 3 consecutive bases within chr17:43,067,667-43,067,670 gives the same sequence; the c. name uses the placement nearest the transcript's 3' end. VCF-style (leftmost placement, unchanged base first): chr17-43067666-GTGT-G. GRCh37 (hg19) VCF-style: chr17-41219683-GTGT-G.
Other names: c.1622_1624delAAC, p.Lys541_His542delinsAsn (NM_001408412.1, NM_001408413.1, NM_001408415.1 and 2 more transcripts); c.4799_4801delAAC, p.Lys1600_His1601delinsAsn (NM_001407902.1, NM_001407904.1, NM_001407906.1 and 12 more transcripts); c.4796_4798delAAC, p.Lys1599_His1600delinsAsn (NM_001407915.1, NM_001407916.1, NM_001407917.1 and 1 more transcripts); c.4889_4891delAAC, p.Lys1630_His1631delinsAsn (NM_001407919.1, NM_001407937.1, NM_001407938.1 and 6 more transcripts); c.4748_4750delAAC, p.Lys1583_His1584delinsAsn (NM_001407920.1, NM_001407921.1, NM_001407922.1 and 4 more transcripts); c.4745_4747delAAC, p.Lys1582_His1583delinsAsn (NM_001407927.1, NM_001407928.1, NM_001407929.1 and 4 more transcripts); c.4742_4744delAAC, p.Lys1581_His1582delinsAsn (NM_001407934.1, NM_001407935.1, NM_001407936.1); c.4886_4888delAAC, p.Lys1629_His1630delinsAsn (NM_001407939.1, NM_001407940.1, NM_001407670.1 and 11 more transcripts); and 74 more.
Identifiers: ClinVar variation 1744770 (VCV001744770.2), dbSNP rs2550326002, ClinGen allele CA2580094117.